The following is an entry in ClinVar:

ClinVar aggregate classification (germline): Uncertain significance (1 of 4 stars; one submission).

Submission:

Labcorp Genetics (formerly Invitae), Labcorp
Classification: Uncertain significance. Last evaluated: 2023-11-27. Review status: criteria provided, single submitter. Criteria: Invitae Variant Classification Sherloc (09022015). Collection method: clinical testing. Allele origin: germline.
Comment: This sequence change replaces aspartic acid, which is acidic and polar, with glycine, which is neutral and non-polar, at codon 486 of the MBTPS2 protein (p.Asp486Gly). This variant is not present in population databases (gnomAD no frequency). This variant has not been reported in the literature in individuals affected with MBTPS2-related conditions. ClinVar contains an entry for this variant (Variation ID: 1391348). An algorithm developed to predict the effect of missense changes on protein structure and function (PolyPhen-2) suggests that this variant is likely to be tolerated. In summary, the available evidence is currently insufficient to determine the role of this variant in disease. Therefore, it has been classified as a Variant of Uncertain Significance.

NM_015884.4(MBTPS2):c.1457A>G (p.Asp486Gly)

Gene: MBTPS2 (membrane bound transcription factor peptidase, site 2; plus strand). Cytogenetic location: Xp22.12.
Variant type: single nucleotide variant.
Coding change: c.1457A>G on transcript NM_015884.4 (MANE Select); coding-DNA position 1457, A replaced by G.
Protein change: p.Asp486Gly; replaces aspartic acid 486 with glycine.
Molecular consequence: missense variant.
Genome position (GRCh38, 1-based): chrX:21,882,552, A>G. VCF-style: chrX-21882552-A-G. GRCh37 (hg19) VCF-style: chrX-21900670-A-G.
Other names: short protein forms D486G.
Identifiers: ClinVar variation 1391348 (VCV001391348.6), dbSNP rs2147455989, ClinGen allele CA412570591.